The following is an entry in ClinVar:

ClinVar aggregate classification (germline): Pathogenic/Likely pathogenic. Review status: criteria provided, multiple submitters, no conflicts (2 of 4 stars). 5 submissions from 5 submitters: Pathogenic (2); Likely pathogenic (2). 1 of the submissions does not count toward it. Last evaluated 2026-08-06.

Conditions:
Neurodevelopmental disorder with early-onset parkinsonism and behavioral abnormalities. Identifiers: MedGen C5935590, MONDO:0958323, OMIM 620747.

Submissions (5):

OLLIN Analises Genomicas, OLLIN
Classification: Likely pathogenic for Neurodevelopmental disorder with early-onset parkinsonism and behavioral abnormalities. Last evaluated: 2026-08-06. Review status: criteria provided, single submitter. Criteria: ACMG Guidelines 2015 PMID 25741868. Collection method: clinical testing. Allele origin: germline.
Comment: This frameshift variant, located in exon 1 (of 2), has been reported in ClinVar (accession VCV003061964.3), in gnomAD with an allele frequency of 0.016%, and in the scientific literature, segregating with the phenotype and in compound heterozygosity, in individuals with PTRHD1 related disorders (PMID: 34765690). This variant causes a frameshift and introduces a premature stop codon, which is predicted to result in either a truncated protein or degradation of the mRNA via nonsense-mediated decay (NMD). According to the currently available evidence, this variant has been classified as likely pathogenic (PVS1_S, PM2_P, PM3, PP1).

Greenwood Genetic Center Diagnostic Laboratories, Greenwood Genetic Center
Classification: Likely pathogenic for Neurodevelopmental disorder with early-onset parkinsonism and behavioral abnormalities. Last evaluated: 2026-05-22. Review status: criteria provided, single submitter. Criteria: ACMG Guidelines, 2015. Collection method: clinical testing. Allele origin: germline. Affected: yes.
Comment: PS3_Supporting, PM3, PM4, PP1

GeneDx
Classification: Pathogenic. Last evaluated: 2026-03-19. Review status: criteria provided, single submitter. Criteria: GeneDx Variant Classification Process June 2021. Collection method: clinical testing. Allele origin: germline.
Comment: Frameshift variant predicted to result in abnormal protein length as the last 84 amino acid(s) are replaced with 25 different amino acid(s); This variant is associated with the following publications: (PMID: 36344539, 30398675, 34765690)

First Genomix Gene Laboratory, Genetic Diagnostics Department
Classification: Pathogenic for Neurodevelopmental disorder with early-onset parkinsonism and behavioral abnormalities. Last evaluated: 2025-01-10. Review status: criteria provided, single submitter. Criteria: ACMG Guidelines, 2015. Collection method: clinical testing. Allele origin: germline. Inheritance: Autosomal recessive inheritance. Affected: no. Observed: 1 variant allele.

OMIM
Classification: Pathogenic for NEURODEVELOPMENTAL DISORDER WITH EARLY-ONSET PARKINSONISM AND BEHAVIORAL ABNORMALITIES. Last evaluated: 2024-03-13. Review status: no assertion criteria provided. Collection method: literature only. Allele origin: germline. Not counted in ClinVar's aggregate classification.

Literature cited by the submitters: PubMed 34765690 (cited by OLLIN Analises Genomicas, OLLIN and OMIM); PubMed 30398675 (cited by OMIM).

NM_001013663.2(PTRHD1):c.169_196del (p.Ala57fs)

Genes: PTRHD1 (peptidyl-tRNA hydrolase domain containing 1; minus strand), LOC129933272 (ATAC-STARR-seq lymphoblastoid active region 15435; plus strand). Cytogenetic location: 2p23.3.
Variant type: Deletion.
Coding change: c.169_196del on transcript NM_001013663.2 (MANE Select); coding-DNA positions 169 to 196, 28 bases deleted (GCGGCCTTGCACACTCACCGCGACCACC).
Protein change: p.Ala57fs; shifts the reading frame from alanine 57.
Molecular consequence: frameshift variant.
Genome position (GRCh38, 1-based): chr2:24,793,182-24,793,209, GGTGGTCGCGGTGAGTGTGCAAGGCCGC deleted on the plus strand (GCGGCCTTGCACACTCACCGCGACCACC on the coding strand, the reverse complement: PTRHD1 is on the minus strand); deleting any 28 consecutive bases within chr2:24,793,182-24,793,214 gives the same sequence; the c. name uses the placement nearest the transcript's 3' end. VCF-style (leftmost placement, unchanged base first): chr2-24793181-GGGTGGTCGCGGTGAGTGTGCAAGGCCGC-G. GRCh37 (hg19) VCF-style: chr2-25016050-GGGTGGTCGCGGTGAGTGTGCAAGGCCGC-G.
Other names: short protein forms A57fs.
Identifiers: ClinVar variation 3061964 (VCV003061964.6), dbSNP rs553276736, ClinGen allele CA1552959.